The following is an entry in ClinVar:

NM_020070.4(IGLL1):c.271C>T (p.His91Tyr)

Gene: IGLL1 (immunoglobulin lambda like polypeptide 1; minus strand). Cytogenetic location: 22q11.23.
Variant type: single nucleotide variant.
Coding change: c.271C>T on transcript NM_020070.4 (MANE Select); coding-DNA position 271, C replaced by T.
Protein change: p.His91Tyr; replaces histidine 91 with tyrosine.
Molecular consequence: missense variant. On other transcripts: intron variant (1).
Genome position (GRCh38, 1-based): chr22:23,575,018, G>A on the plus strand (C>T on the coding strand, the complement: IGLL1 is on the minus strand). VCF-style: chr22-23575018-G-A. GRCh37 (hg19) VCF-style: chr22-23917205-G-A.
Other names: c.274C>T, p.His92Tyr (NM_001369906.1); c.207-1433C>T (NM_152855.3); short protein forms H91Y, H92Y.
Identifiers: ClinVar variation 3108756 (VCV003108756.3), dbSNP rs1326173513, ClinGen allele CA410899131.

ClinVar aggregate classification (germline): Uncertain significance. Review status: criteria provided, multiple submitters, no conflicts (2 of 4 stars). 2 submissions from 2 submitters: Uncertain significance (2). Last evaluated 2025-10-14.

Conditions:
Agammaglobulinemia 2, autosomal recessive (AGM2). Also called: AGAMMAGLOBULINEMIA, AUTOSOMAL RECESSIVE, DUE TO IGLL1 DEFECT. Identifiers: MedGen C3150750, MONDO:0013287, OMIM 613500.

Allele frequency attached by ClinVar (database versions not stated): gnomAD exomes below 0.00001; TOPMed 0.00001; gnomAD 0.00002.
gnomAD v4.1: 5 of 1,614,040 alleles (0.00031%); highest among the groups gnomAD compares: African/African-American, 0.004%; no homozygotes.

Submissions (2):

Labcorp Genetics (formerly Invitae), Labcorp
Classification: Uncertain significance for Agammaglobulinemia 2, autosomal recessive. Last evaluated: 2025-10-14. Review status: criteria provided, single submitter. Criteria: Invitae Variant Classification Sherloc (09022015). Collection method: clinical testing. Allele origin: germline.
Comment: This sequence change replaces histidine, which is basic and polar, with tyrosine, which is neutral and polar, at codon 91 of the IGLL1 protein (p.His91Tyr). This variant is present in population databases (no rsID available, gnomAD 0.01%). This variant has not been reported in the literature in individuals affected with IGLL1-related conditions. ClinVar contains an entry for this variant (Variation ID: 3108756). An algorithm developed to predict the effect of missense changes on protein structure and function (PolyPhen-2) suggests that this variant is likely to be tolerated. In summary, the available evidence is currently insufficient to determine the role of this variant in disease. Therefore, it has been classified as a Variant of Uncertain Significance.

Ambry Genetics
Classification: Uncertain significance. Last evaluated: 2025-08-23. Review status: criteria provided, single submitter. Criteria: Ambry Variant Classification Scheme 2023. Collection method: clinical testing. Allele origin: germline.